The following is an entry in ClinVar:

ClinVar aggregate classification (germline): Uncertain significance (1 of 4 stars; one submission).

Allele frequency attached by ClinVar (database versions not stated): gnomAD exomes below 0.00001.
gnomAD v4.1: 3 of 1,508,842 alleles (0.0002%); highest among the groups gnomAD compares: Non-Finnish European, 0.00027%; no homozygotes.

Submission:

Labcorp Genetics (formerly Invitae), Labcorp
Classification: Uncertain significance. Last evaluated: 2022-07-19. Review status: criteria provided, single submitter. Criteria: Invitae Variant Classification Sherloc (09022015). Collection method: clinical testing. Allele origin: germline.
Comment: This variant is not present in population databases (gnomAD no frequency). In summary, the available evidence is currently insufficient to determine the role of this variant in disease. Therefore, it has been classified as a Variant of Uncertain Significance. Algorithms developed to predict the effect of missense changes on protein structure and function are either unavailable or do not agree on the potential impact of this missense change (SIFT: "Deleterious"; PolyPhen-2: "Benign"; Align-GVGD: "Class C0"). This variant has not been reported in the literature in individuals affected with SUCLG2-related conditions. This sequence change replaces phenylalanine, which is neutral and non-polar, with leucine, which is neutral and non-polar, at codon 438 of the SUCLG2 protein (p.Phe438Leu).

NC_000003.12:g.67360640A>G

Gene: SUCLG2 (succinate-CoA ligase GDP-forming subunit beta; minus strand). Cytogenetic location: 3p14.1.
Variant type: single nucleotide variant.
Molecular consequence: missense variant (on NM_001177599.2).
Genome position: GRCh38 VCF-style: chr3-67360640-A-G. GRCh37 (hg19) VCF-style: chr3-67411064-A-G.
Other names: c.1312T>C, p.Phe438Leu (NM_001177599.2); short protein forms F438L.
Identifiers: ClinVar variation 1938120 (VCV001938120.4), dbSNP rs2471372749, ClinGen allele CA353552004.